The following is an entry in ClinVar:

ClinVar aggregate classification (germline): Uncertain significance (1 of 4 stars; one submission).

Conditions:
DICER1-related tumor predisposition. Also called: DICER1 syndrome; DICER1-related pleuropulmonary blastoma cancer predisposition syndrome. Identifiers: Orphanet 284343, MedGen C3839822, MONDO:0100216.

Submission:

Labcorp Genetics (formerly Invitae), Labcorp
Classification: Uncertain significance for DICER1-related tumor predisposition. Last evaluated: 2024-01-25. Review status: criteria provided, single submitter. Criteria: Invitae Variant Classification Sherloc (09022015). Collection method: clinical testing. Allele origin: germline.
Comment: This sequence change replaces glutamic acid, which is acidic and polar, with aspartic acid, which is acidic and polar, at codon 1551 of the DICER1 protein (p.Glu1551Asp). This variant is not present in population databases (gnomAD no frequency). This variant has not been reported in the literature in individuals affected with DICER1-related conditions. Advanced modeling of protein sequence and biophysical properties (such as structural, functional, and spatial information, amino acid conservation, physicochemical variation, residue mobility, and thermodynamic stability) performed at Invitae indicates that this missense variant is not expected to disrupt DICER1 protein function with a negative predictive value of 80%. In summary, the available evidence is currently insufficient to determine the role of this variant in disease. Therefore, it has been classified as a Variant of Uncertain Significance.

NM_177438.3(DICER1):c.4653G>T (p.Glu1551Asp)

Gene: DICER1 (dicer 1, ribonuclease III; minus strand). Cytogenetic location: 14q32.13.
Variant type: single nucleotide variant.
Coding change: c.4653G>T on transcript NM_177438.3 (MANE Select); coding-DNA position 4653, G replaced by T.
Protein change: p.Glu1551Asp; replaces glutamic acid 1551 with aspartic acid.
Molecular consequence: missense variant. On other transcripts: non-coding transcript variant (6).
Genome position (GRCh38, 1-based): chr14:95,096,267, C>A on the plus strand (G>T on the coding strand, the complement: DICER1 is on the minus strand). VCF-style: chr14-95096267-C-A. GRCh37 (hg19) VCF-style: chr14-95562604-C-A.
Other names: c.4653G>T, p.Glu1551Asp (NM_001395677.1, NM_001395678.1, NM_001395679.1 and 13 more transcripts); c.4371G>T, p.Glu1457Asp (NM_001395686.1); c.4248G>T, p.Glu1416Asp (NM_001395687.1, NM_001395688.1, NM_001395689.1 and 2 more transcripts); c.4086G>T, p.Glu1362Asp (NM_001395691.1); c.2970G>T, p.Glu990Asp (NM_001395697.1); short protein forms E1551D, E990D, E1416D, E1362D, E1457D.
Identifiers: ClinVar variation 2711503 (VCV002711503.3), dbSNP rs2139846364, ClinGen allele CA390867601.